The following is an entry in ClinVar:

NM_032119.4(ADGRV1):c.1237A>C (p.Arg413=)

Gene: ADGRV1 (adhesion G protein-coupled receptor V1; plus strand). Cytogenetic location: 5q14.3.
Variant type: single nucleotide variant.
Coding change: c.1237A>C on transcript NM_032119.4 (MANE Select); coding-DNA position 1237, A replaced by C.
Protein change: p.Arg413=; no amino-acid change (arginine 413 retained).
Molecular consequence: synonymous variant. On other transcripts: non-coding transcript variant (1).
Genome position (GRCh38, 1-based): chr5:90,627,775, A>C. VCF-style: chr5-90627775-A-C. GRCh37 (hg19) VCF-style: chr5-89923592-A-C.
Identifiers: ClinVar variation 517499 (VCV000517499.4), dbSNP rs1554064773, ClinGen allele CA445465299.

ClinVar aggregate classification (germline): Uncertain significance (1 of 4 stars; one submission).

Submission:

Laboratory for Molecular Medicine, Mass General Brigham Personalized Medicine
Classification: Uncertain significance. Last evaluated: 2017-08-10. Review status: criteria provided, single submitter. Criteria: LMM Criteria. Collection method: clinical testing. Allele origin: germline. Observed: 1 variant allele.
Comment: Variant classified as Uncertain Significance - Favor Benign. The p.Arg413Arg var iant in GPR98 has not been previously reported in individuals with hearing loss or Usher syndrome, or in large population studies. This variant does not alter a n amino acid residue but is located in the last three bases of the exon, which i s part of the 5' splice region. Computational tools do not suggest an impact to splicing. However, this information is not predictive enough to rule out pathoge nicity. In summary, while the clinical significance of the p.Arg413Arg variant i s uncertain, available data suggest that it is more likely to be benign.